The following is an entry in ClinVar:

NM_000179.3(MSH6):c.152G>A (p.Ser51Asn)

Gene: MSH6 (mutS homolog 6; plus strand). Cytogenetic location: 2p16.3.
Variant type: single nucleotide variant.
Coding change: c.152G>A on transcript NM_000179.3 (MANE Select); coding-DNA position 152, G replaced by A.
Protein change: p.Ser51Asn; replaces serine 51 with asparagine.
Molecular consequence: missense variant. On other transcripts: intron variant (5), 5 prime UTR variant (7), non-coding transcript variant (5).
Genome position (GRCh38, 1-based): chr2:47,783,385, G>A. VCF-style: chr2-47783385-G-A. GRCh37 (hg19) VCF-style: chr2-48010524-G-A.
Other names: c.-38+154G>A (NM_001406805.1, NM_001406797.1, NM_001406801.1); c.-280+154G>A (NM_001406815.1); c.-69+154G>A (NM_001406806.1); c.152G>A, p.Ser51Asn (NM_001281492.2, NM_001406795.1, NM_001406796.1 and 9 more transcripts); c.-585G>A (NM_001281493.2, NM_001406811.1); c.-177G>A (NM_001406799.1); c.97G>A, p.Ala33Thr (NM_001406804.1); c.-777G>A (NM_001406807.1); and 3 more; short protein forms A33T, S51N.
Identifiers: ClinVar variation 3633906 (VCV003633906.2).

ClinVar aggregate classification (germline): Uncertain significance (1 of 4 stars; one submission).

Conditions:
Hereditary nonpolyposis colorectal neoplasms. Identifiers: MedGen C0009405, MeSH D003123.

Submission:

Labcorp Genetics (formerly Invitae), Labcorp
Classification: Uncertain significance for Hereditary nonpolyposis colorectal neoplasms. Last evaluated: 2024-09-01. Review status: criteria provided, single submitter. Criteria: Invitae Variant Classification Sherloc (09022015). Collection method: clinical testing. Allele origin: germline.
Comment: This sequence change replaces serine, which is neutral and polar, with asparagine, which is neutral and polar, at codon 51 of the MSH6 protein (p.Ser51Asn). This variant is not present in population databases (gnomAD no frequency). This variant has not been reported in the literature in individuals affected with MSH6-related conditions. Invitae Evidence Modeling of protein sequence and biophysical properties (such as structural, functional, and spatial information, amino acid conservation, physicochemical variation, residue mobility, and thermodynamic stability) indicates that this missense variant is not expected to disrupt MSH6 protein function with a negative predictive value of 95%. In summary, the available evidence is currently insufficient to determine the role of this variant in disease. Therefore, it has been classified as a Variant of Uncertain Significance.